The following is an entry in ClinVar:

ClinVar aggregate classification (germline): Uncertain significance (1 of 4 stars; one submission).

Conditions:
Cardiovascular phenotype. Identifiers: MedGen CN230736.

Submission:

Ambry Genetics
Classification: Uncertain significance for Cardiovascular phenotype. Last evaluated: 2022-08-27. Review status: criteria provided, single submitter. Criteria: Ambry Variant Classification Scheme 2023. Collection method: clinical testing. Allele origin: germline.
Comment: The p.F311C variant (also known as c.932T>G), located in coding exon 9 of the CASQ2 gene, results from a T to G substitution at nucleotide position 932. The phenylalanine at codon 311 is replaced by cysteine, an amino acid with highly dissimilar properties. This amino acid position is conserved. In addition, this alteration is predicted to be deleterious by in silico analysis. Since supporting evidence is limited at this time, the clinical significance of this alteration remains unclear.

NM_001232.4(CASQ2):c.932T>G (p.Phe311Cys)

Gene: CASQ2 (calsequestrin 2; minus strand). Cytogenetic location: 1p13.1.
Variant type: single nucleotide variant.
Coding change: c.932T>G on transcript NM_001232.4 (MANE Select); coding-DNA position 932, T replaced by G.
Protein change: p.Phe311Cys; replaces phenylalanine 311 with cysteine.
Molecular consequence: missense variant.
Genome position (GRCh38, 1-based): chr1:115,705,199, A>C on the plus strand (T>G on the coding strand, the complement: CASQ2 is on the minus strand). VCF-style: chr1-115705199-A-C. GRCh37 (hg19) VCF-style: chr1-116247820-A-C.
Other names: short protein forms F311C.
Identifiers: ClinVar variation 1766596 (VCV001766596.2), dbSNP rs1001716078, ClinGen allele CA29614548.
Genomic context (GRCh38, chr1:115,705,199, plus strand): 5'-ATCATGAGGTTGTGACAGCAACTGAGGGTGGGGCGCTGGCTGGAGCCACTCACCAGAGGA[A>C]AGTCGTCCGGGTCGATCCACAGGATGCTCAGATCGGGGTTGTCAGTATTGTCCCGGGCAA-3'
Protein context (NP_001223.2, residues 301-321): LSILWIDPDD[Phe311Cys]PLLVAYWEKT